The following is an entry in ClinVar:

ClinVar aggregate classification (germline): Uncertain significance (1 of 4 stars; one submission).

gnomAD v4.1: 3 of 1,614,166 alleles (0.00019%); highest among the groups gnomAD compares: Non-Finnish European, 0.00017%; no homozygotes.

Submission:

GeneDx
Classification: Uncertain significance. Last evaluated: 2023-10-17. Review status: criteria provided, single submitter. Criteria: GeneDx Variant Classification Process June 2021. Collection method: clinical testing. Allele origin: germline. Affected: yes.
Comment: Not observed at significant frequency in large population cohorts (gnomAD); In silico analysis supports that this missense variant does not alter protein structure/function; Has not been previously published as pathogenic or benign to our knowledge

NM_001020658.2(PUM1):c.2401G>T (p.Ala801Ser)

Gene: PUM1 (pumilio RNA binding family member 1; minus strand). Cytogenetic location: 1p35.2.
Variant type: single nucleotide variant.
Coding change: c.2401G>T on transcript NM_001020658.2 (MANE Select); coding-DNA position 2401, G replaced by T.
Protein change: p.Ala801Ser; replaces alanine 801 with serine.
Molecular consequence: missense variant.
Genome position (GRCh38, 1-based): chr1:30,953,904, C>A on the plus strand (G>T on the coding strand, the complement: PUM1 is on the minus strand). VCF-style: chr1-30953904-C-A. GRCh37 (hg19) VCF-style: chr1-31426751-C-A.
Other names: c.2401G>T, p.Ala801Ser (NM_014676.3); short protein forms A801S.
Identifiers: ClinVar variation 3342459 (VCV003342459.1).